The following is an entry in ClinVar:

NM_001282116.2(RFX3):c.1881T>C (p.Arg627=)

Gene: RFX3 (regulatory factor X3; minus strand). Cytogenetic location: 9p24.2.
Variant type: single nucleotide variant.
Coding change: c.1881T>C on transcript NM_001282116.2 (MANE Select); coding-DNA position 1881, T replaced by C.
Protein change: p.Arg627=; no amino-acid change (arginine 627 retained).
Molecular consequence: synonymous variant.
Genome position (GRCh38, 1-based): chr9:3,248,119, A>G on the plus strand (T>C on the coding strand, the complement: RFX3 is on the minus strand). VCF-style: chr9-3248119-A-G. GRCh37 (hg19) VCF-style: chr9-3248119-A-G.
Other names: c.1881T>C, p.Arg627= (NM_001377999.1, NM_002919.4, NM_134428.3).
Identifiers: ClinVar variation 3049238 (VCV003049238.6), dbSNP rs547006837, ClinGen allele CA4967024.
Genomic context (GRCh38, chr9:3,248,119, plus strand): 5'-TCCTGTTGCCTGAGCAACACGATGTTCTACTAAGTAAAACATATATTCGTCGTAGAGTAG[A>G]CGGATCAGGTGGAAGGAGCCAAAGCTAGCAGCACTGCGTAAGGTTAAGTCCCGAATAACC-3'
Protein context (NP_001269045.1, residues 617-637): AASFGSFHLI[Arg627=]LLYDEYMFYL

ClinVar aggregate classification (germline): Likely benign. Review status: criteria provided, single submitter (1 of 4 stars). 2 submissions from 2 submitters: Likely benign (1). 1 of the submissions does not count toward it. Last evaluated 2026-02-01.

Conditions:
RFX3-related disorder. Also called: RFX3-related condition.

Allele frequency attached by ClinVar (database versions not stated): gnomAD exomes 0.00013; 1000 Genomes Project 0.00020; ExAC 0.00031; 1000 Genomes Project 30x 0.00047.
gnomAD v4.1: 210 of 1,613,924 alleles (0.013%); highest among the groups gnomAD compares: South Asian, 0.21%; 3 homozygotes.

Submissions (2):

CeGaT Center for Human Genetics Tuebingen
Classification: Likely benign. Last evaluated: 2026-02-01. Review status: criteria provided, single submitter. Criteria: CeGaT Center For Human Genetics Tuebingen Variant Classification Criteria Version 2. Collection method: clinical testing. Allele origin: germline. Affected: yes. Observed: 1 variant allele.
Comment: RFX3: BP4, BP7

PreventionGenetics, part of Exact Sciences
Classification: Likely benign for RFX3-related condition. Last evaluated: 2019-03-20. Review status: no assertion criteria provided. Collection method: clinical testing. Allele origin: germline. Not counted in ClinVar's aggregate classification.
Comment: This variant is classified as likely benign based on ACMG/AMP sequence variant interpretation guidelines (Richards et al. 2015 PMID: 25741868, with internal and published modifications).